The following is an entry in ClinVar:

ClinVar aggregate classification (germline): Uncertain significance (1 of 4 stars; one submission).

Conditions:
Neurofibromatosis, type 1 (NF1). Also called: Neurofibromatosis, type I; Peripheral type neurofibromatosis; VON RECKLINGHAUSEN DISEASE; NEUROFIBROMATOSIS, TYPE I, SOMATIC. Identifiers: Orphanet 636, MedGen C0027831, MONDO:0018975, OMIM 162200. Disease mechanism: loss of function.

Submission:

Labcorp Genetics (formerly Invitae), Labcorp
Classification: Uncertain significance for Neurofibromatosis, type 1. Last evaluated: 2025-10-14. Review status: criteria provided, single submitter. Criteria: Invitae Variant Classification Sherloc (09022015). Collection method: clinical testing. Allele origin: germline.
Comment: This sequence change replaces leucine, which is neutral and non-polar, with isoleucine, which is neutral and non-polar, at codon 2258 of the NF1 protein (p.Leu2258Ile). This variant is not present in population databases (gnomAD no frequency). This variant has not been reported in the literature in individuals affected with NF1-related conditions. ClinVar contains an entry for this variant (Variation ID: 2006862). Invitae Evidence Modeling of protein sequence and biophysical properties (such as structural, functional, and spatial information, amino acid conservation, physicochemical variation, residue mobility, and thermodynamic stability) indicates that this missense variant is not expected to disrupt NF1 protein function with a negative predictive value of 95%. In summary, the available evidence is currently insufficient to determine the role of this variant in disease. Therefore, it has been classified as a Variant of Uncertain Significance.

NM_001042492.3(NF1):c.6835T>A (p.Leu2279Ile)

Gene: NF1 (neurofibromin 1; plus strand). Cytogenetic location: 17q11.2.
Variant type: single nucleotide variant.
Coding change: c.6835T>A on transcript NM_001042492.3 (MANE Select); coding-DNA position 6835, T replaced by A.
Protein change: p.Leu2279Ile; replaces leucine 2279 with isoleucine.
Molecular consequence: missense variant.
Genome position (GRCh38, 1-based): chr17:31,338,719, T>A. VCF-style: chr17-31338719-T-A. GRCh37 (hg19) VCF-style: chr17-29665737-T-A.
Other names: c.6772T>A, p.Leu2258Ile (NM_000267.4); short protein forms L2258I, L2279I.
Identifiers: ClinVar variation 2006862 (VCV002006862.4), dbSNP rs2151559127, ClinGen allele CA399014273.
Genomic context (GRCh38, chr17:31,338,719, plus strand): 5'-TTTATTTCAATGAAAGTAAAATAAAAAATTCTGTTTTCCTAAAAGGCACTTGAGAGTTGC[T>A]TAAAAGGACCTGACACTTACAACAGTCAAGTTCTGATAGAAGCTACAGTAATAGCACTAA-3'
Protein context (NP_001035957.1, residues 2269-2289): RILSKALESC[Leu2279Ile]KGPDTYNSQV